The following is an entry in ClinVar:

NM_024027.5(COLEC11):c.690C>T (p.Ser230=)

Gene: COLEC11 (collectin subfamily member 11; plus strand). Cytogenetic location: 2p25.3.
Variant type: single nucleotide variant.
Coding change: c.690C>T on transcript NM_024027.5 (MANE Select); coding-DNA position 690, C replaced by T.
Protein change: p.Ser230=; no amino-acid change (serine 230 retained).
Molecular consequence: synonymous variant. On other transcripts: non-coding transcript variant (1).
Genome position (GRCh38, 1-based): chr2:3,643,992, C>T. VCF-style: chr2-3643992-C-T. GRCh37 (hg19) VCF-style: chr2-3691582-C-T.
Other names: c.618C>T, p.Ser206= (NM_001255982.2, NM_001255983.2); c.546C>T, p.Ser182= (NM_001255984.2); c.732C>T, p.Ser244= (NM_001255985.1); c.612C>T, p.Ser204= (NM_001255986.1); c.540C>T, p.Ser180= (NM_001255987.1, NM_001255988.1); c.468C>T, p.Ser156= (NM_001255989.1); c.681C>T, p.Ser227= (NM_199235.3).
Identifiers: ClinVar variation 3035577 (VCV003035577.3), dbSNP rs149123195, ClinGen allele CA1517134.
Genomic context (GRCh38, chr2:3,643,992, plus strand): 5'-GGAGGGCGCCTTCGTGTACTCTGACCACTCCCCCATGCGGACCTTCAACAAGTGGCGCAG[C>T]GGTGAGCCCAACAATGCCTACGACGAGGAGGACTGCGTGGAGATGGTGGCCTCGGGCGGC-3'
Protein context (NP_076932.1, residues 220-240): SPMRTFNKWR[Ser230=]GEPNNAYDEE

ClinVar aggregate classification (germline): Likely benign. Review status: criteria provided, single submitter (1 of 4 stars). 2 submissions from 2 submitters: Likely benign (1). 1 of the submissions does not count toward it. Last evaluated 2024-03-29.

Conditions:
COLEC11-related disorder. Also called: COLEC11-related condition.

Allele frequency attached by ClinVar (database versions not stated): gnomAD exomes 0.00004; ExAC 0.00005; ESP Exome Variant Server 0.00015; gnomAD 0.00022; TOPMed 0.00027.
gnomAD v4.1: 86 of 1,614,008 alleles (0.0053%); highest among the groups gnomAD compares: African/African-American, 0.069%; no homozygotes.

Submissions (2):

Blueprint Genetics
Classification: Likely benign. Last evaluated: 2024-03-29. Review status: criteria provided, single submitter. Criteria: ACMG Guidelines, 2015. Collection method: clinical testing. Allele origin: germline.

PreventionGenetics, part of Exact Sciences
Classification: Likely benign for COLEC11-related condition. Last evaluated: 2019-02-21. Review status: no assertion criteria provided. Collection method: clinical testing. Allele origin: germline. Not counted in ClinVar's aggregate classification.
Comment: This variant is classified as likely benign based on ACMG/AMP sequence variant interpretation guidelines (Richards et al. 2015 PMID: 25741868, with internal and published modifications).